The following is an entry in ClinVar:

NM_001195248.2(APTX):c.200G>A (p.Ser67Asn)

Gene: APTX (aprataxin; minus strand). Cytogenetic location: 9p21.1.
Variant type: single nucleotide variant.
Coding change: c.200G>A on transcript NM_001195248.2 (MANE Select); coding-DNA position 200, G replaced by A.
Protein change: p.Ser67Asn; replaces serine 67 with asparagine.
Molecular consequence: missense variant. On other transcripts: 5 prime UTR variant (8), non-coding transcript variant (3), intron variant (4).
Genome position (GRCh38, 1-based): chr9:32,987,827, C>T on the plus strand (G>A on the coding strand, the complement: APTX is on the minus strand). VCF-style: chr9-32987827-C-T. GRCh37 (hg19) VCF-style: chr9-32987825-C-T.
Other names: c.200G>A, p.Ser67Asn (NM_001195249.2, NM_001195251.2, NM_001195252.2 and 7 more transcripts); c.-65G>A (NM_001369002.1, NM_001369003.1, NM_001369004.1 and 5 more transcripts); c.134-96G>A (NM_001369001.1, NM_001369000.1, NM_001195250.2 and 1 more transcripts); short protein forms S67N.
Identifiers: ClinVar variation 3571832 (VCV003571832.1).

ClinVar aggregate classification (germline): Uncertain significance (1 of 4 stars; one submission).

gnomAD v4.1: 1 of 1,613,598 alleles (0.000062%); highest among the groups gnomAD compares: Non-Finnish European, 0.000085%; no homozygotes.

Submission:

Athena Diagnostics
Classification: Uncertain significance. Last evaluated: 2024-06-25. Review status: criteria provided, single submitter. Criteria: Athena Diagnostics Criteria. Collection method: clinical testing. Allele origin: unknown.
Comment: Available data are insufficient to determine the clinical significance of the variant at this time. The frequency of this variant in the general population is uninformative in assessment of its pathogenicity. Polyphen and MutationTaster yielded discordant predictions regarding whether this amino acid change is damaging to the protein. The variant is located in a region that is considered important for protein function and/or structure.